The following is an entry in ClinVar:

NM_000051.4(ATM):c.935_936insTTTTTTTTTTTTTTTTTTTTTTTTTTTTTTTTTTTTTTTNNNATCCGCCCGCCTCGGCCTCCCAAAGTGCTGGGATTACAGGCGTGAGCCACCGCGCCCGGCCCTTTT (p.Ile311_Leu312insPhePhePhePhePhePhePhePhePhePhePhePhePheXaaXaaSerAlaArgLeuGlyLeuProLysCysTrpAspTyrArgArgGluProProArgProAlaLeu)

Gene: ATM (ATM serine/threonine kinase; plus strand). Cytogenetic location: 11q22.3.
Variant type: Microsatellite.
Coding change: c.935_936insTTTTTTTTTTTTTTTTTTTTTTTTTTTTTTTTTTTTTTTNNNATCCGCCCGCCTCGGCCTCCCAAAGTGCTGGGATTACAGGCGTGAGCCACCGCGCCCGGCCCTTTT on transcript NM_000051.4 (MANE Select); coding-DNA positions 935 to 936, TTTTTTTTTTTTTTTTTTTTTTTTTTTTTTTTTTTTTTTNNNATCCGCCCGCCTCGGCCTCCCAAAGTGCTGGGATTACAGGCGTGAGCCACCGCGCCCGGCCCTTTT inserted.
Protein change: p.Ile311_Leu312insPhePhePhePhePhePhePhePhePhePhePhePhePheXaaXaaSerAlaArgLeuGlyLeuProLysCysTrpAspTyrArgArgGluProProArgProAlaLeu.
Molecular consequence: inframe insertion.
Genome position: GRCh38: chr11:108,246,994-108,246,997. GRCh37 (hg19): chr11:108,117,721-108,117,724.
Other names: c.935_936insTTTTTTTTTTTTTTTTTTTTTTTTTTTTTTTTTTTTTTTNNNATCCGCCCGCCTCGGCCTCCCAAAGTGCTGGGATTACAGGCGTGAGCCACCGCGCCCGGCCCTTTT, p.Ile311_Leu312insPhePhePhePhePhePhePhePhePhePhePhePhePheXaaXaaSerAlaArgLeuGlyLeuProLysCysTrpAspTyrArgArgGluProProArgProAlaLeu (NM_001351834.2).
Identifiers: ClinVar variation 1069873 (VCV001069873.9), dbSNP rs2079879604.

ClinVar aggregate classification (germline): Pathogenic (1 of 4 stars; one submission).

Conditions:
Ataxia-telangiectasia syndrome (AT). Also called: LOUIS-BAR SYNDROME; Ataxia-telangiectasia, complementation group D; AT, COMPLEMENTATION GROUP C; Cerebello-oculocutaneous telangiectasia; Immunodeficiency with ataxia telangiectasia; ATAXIA-TELANGIECTASIA, COMPLEMENTATION GROUP A. Identifiers: Orphanet 100, MedGen C0004135, MONDO:0008840, OMIM 208900.

Submission:

Labcorp Genetics (formerly Invitae), Labcorp
Classification: Pathogenic for Ataxia-telangiectasia syndrome. Last evaluated: 2018-02-27. Review status: criteria provided, single submitter. Criteria: Invitae Variant Classification Sherloc (09022015). Collection method: clinical testing. Allele origin: germline.
Comment: For these reasons, this variant has been classified as Pathogenic. Retrotransposon insertions including LINE1 (L1), Alu, and SVA (SINE-VNTR-Alu) have been reported to be disease-causing through disruption of either a coding region or splice site (PMID: 19763152, 20307669, 22406018). Although this variant has not been reported in the literature, loss-of-function variants in ATM are known to be pathogenic (PMID: 25614872, 23807571). This sequence change inserts an Alu retrotransposon in exon 8 of the ATM mRNA (c.935_936insAlu), causing a frameshift at codon 312 (p.Leu312fs). The exact size and sequence of the insertion cannot be determined by the current assay. However, the insertion is expected to result in an absent or disrupted protein product.

Literature cited by the submitters: PubMed 19763152; PubMed 20307669; PubMed 22406018; PubMed 25614872; PubMed 23807571.